The following is an entry in ClinVar:

NM_152268.4(PARS2):c.-30+11G>A

Gene: PARS2 (prolyl-tRNA synthetase 2, mitochondrial; minus strand). Cytogenetic location: 1p32.3.
Variant type: single nucleotide variant.
Coding change: c.-30+11G>A on transcript NM_152268.4 (MANE Select); 11 bases into the intron after 30 bases upstream of the start codon, G replaced by A.
Molecular consequence: intron variant.
Genome position (GRCh38, 1-based): chr1:54,764,450, C>T on the plus strand (G>A on the coding strand, the complement: PARS2 is on the minus strand). VCF-style: chr1-54764450-C-T. GRCh37 (hg19) VCF-style: chr1-55230123-C-T.
Identifiers: ClinVar variation 514451 (VCV000514451.1), dbSNP rs1553184301, ClinGen allele CA658795464.
Genomic context (GRCh38, chr1:54,764,450, plus strand): 5'-CACCGCGTGCTCGCTTCATTTCGCTGCCCGCGCCCGTCCCTCAGGTCTGGGAGTCACCCA[C>T]GTTCACCTACCGCAATCCCAGCCCACGCCTCCCGCAAGACCACCGCCGTGCCGGGCCAGC-3'

ClinVar aggregate classification (germline): Likely benign (1 of 4 stars; one submission).

Allele frequency attached by ClinVar (database versions not stated): gnomAD 0.00001.

Submission:

GeneDx
Classification: Likely benign. Last evaluated: 2018-01-22. Review status: criteria provided, single submitter. Criteria: GeneDx Variant Classification (06012015). Collection method: clinical testing. Allele origin: germline. Affected: yes.
Comment: This variant is considered likely benign or benign based on one or more of the following criteria: it is a conservative change, it occurs at a poorly conserved position in the protein, it is predicted to be benign by multiple in silico algorithms, and/or has population frequency not consistent with disease.